The following is an entry in ClinVar:

NM_001184880.2(PCDH19):c.3431A>G (p.Lys1144Arg)

Gene: PCDH19 (protocadherin 19; minus strand). Cytogenetic location: Xq22.1.
Variant type: single nucleotide variant.
Coding change: c.3431A>G on transcript NM_001184880.2 (MANE Select); coding-DNA position 3431, A replaced by G.
Protein change: p.Lys1144Arg; replaces lysine 1144 with arginine.
Molecular consequence: missense variant.
Genome position (GRCh38, 1-based): chrX:100,296,293, T>C on the plus strand (A>G on the coding strand, the complement: PCDH19 is on the minus strand). VCF-style: chrX-100296293-T-C. GRCh37 (hg19) VCF-style: chrX-99551291-T-C.
Other names: c.3290A>G, p.Lys1097Arg (NM_001105243.2); c.3287A>G, p.Lys1096Arg (NM_020766.3); short protein forms K1096R, K1097R, K1144R.
Identifiers: ClinVar variation 1315318 (VCV001315318.2), dbSNP rs2147445397, ClinGen allele CA413999335.

ClinVar aggregate classification (germline): Uncertain significance (1 of 4 stars; one submission).

Submission:

GeneDx
Classification: Uncertain significance. Last evaluated: 2020-01-21. Review status: criteria provided, single submitter. Criteria: GeneDx Variant Classification Process June 2021. Collection method: clinical testing. Allele origin: germline. Affected: yes.
Comment: Not observed in large population cohorts (Lek et al., 2016); The majority of missense variants in this gene are considered pathogenic (Stenson et al., 2014); In silico analysis, which includes protein predictors and evolutionary conservation, supports that this variant does not alter protein structure/function; Has not been previously published as pathogenic or benign to our knowledge